The following is an entry in ClinVar:

ClinVar aggregate classification (germline): Pathogenic/Likely pathogenic. Review status: criteria provided, multiple submitters, no conflicts (2 of 4 stars). 3 submissions from 3 submitters: Pathogenic (1); Likely pathogenic (1). 1 of the submissions does not count toward it. Last evaluated 2026-03-31.

Conditions:
Deficiency of mevalonate kinase. Also called: Mevalonate kinase deficiency. Identifiers: Orphanet 309025, MedGen C0342731, MONDO:0017708.
Porokeratosis 3, disseminated superficial actinic type (POROK3). Also called: POROKERATOSIS, DISSEMINATED SUPERFICIAL ACTINIC, 1; POROKERATOSIS 3, MULTIPLE TYPES; POROKERATOSIS 3, MIBELLI TYPE. Identifiers: MedGen C1867981, MONDO:0008293, OMIM 175900.
Mevalonic aciduria (MEVA). Identifiers: Orphanet 29, MedGen C1959626, MONDO:0012481, OMIM 610377.
Hyperimmunoglobulin D with periodic fever (HIDS). Also called: HYPERIMMUNOGLOBULINEMIA D AND PERIODIC FEVER SYNDROME; Hyperimmunoglobulinemia D with periodic fever; Hyperimmunoglobulinemia D. Identifiers: Orphanet 343, MedGen C0398691, MONDO:0009849, OMIM 260920.

Allele frequency attached by ClinVar (database versions not stated): gnomAD 0.00002; TOPMed 0.00003; ESP Exome Variant Server 0.00008; gnomAD exomes below 0.00001; ExAC 0.00001.
gnomAD v4.1: 3 of 1,610,088 alleles (0.00019%); highest among the groups gnomAD compares: African/African-American, 0.004%; no homozygotes.

Submissions (3):

Myriad Genetics, Inc.
Classification: Likely pathogenic for Deficiency of mevalonate kinase. Last evaluated: 2026-03-31. Review status: criteria provided, single submitter. Criteria: Myriad Autosomal Dominant, Autosomal Recessive and X-Linked Classification Criteria (2023). Collection method: clinical testing. Allele origin: unknown.
Comment: NM_000431.2(MVK):c.37A>T(K13*) is a nonsense variant classified as likely pathogenic in the context of mevalonate kinase deficiency. K13* has been observed in a case with relevant disease (PMID: 11313768). Relevant functional assessments of this variant are not available in the literature. K13* has been observed in referenced population frequency databases. In summary, NM_000431.2(MVK):c.37A>T(K13*) is a nonsense variant in a gene where loss of function is a known mechanism of disease, is predicted to disrupt protein function, and has been observed more frequently in cases with the relevant disease than in healthy populations. Please note: this variant was assessed in the context of healthy population screening.

Fulgent Genetics
Classification: Pathogenic for Porokeratosis 3, disseminated superficial actinic type; Hyperimmunoglobulin D with periodic fever; Mevalonic aciduria. Last evaluated: 2024-02-17. Review status: criteria provided, single submitter. Criteria: ACMG Guidelines, 2015. Collection method: clinical testing. Allele origin: germline.

Unité médicale des maladies autoinflammatoires, CHRU Montpellier
No classification provided. Condition: Hyperimmunoglobulin D with periodic fever. Review status: no classification provided. Collection method: not provided. Allele origin: unknown. Not counted in ClinVar's aggregate classification.
Comment: also involved in OMIM 25117

Literature cited by the submitters: PubMed 11313768 (cited by Myriad Genetics, Inc.).

NM_000431.4(MVK):c.37A>T (p.Lys13Ter)

Gene: MVK (mevalonate kinase; plus strand). Cytogenetic location: 12q24.11.
Variant type: single nucleotide variant.
Coding change: c.37A>T on transcript NM_000431.4 (MANE Select); coding-DNA position 37, A replaced by T.
Protein change: p.Lys13Ter; replaces lysine 13 with a stop codon.
Molecular consequence: nonsense.
Genome position (GRCh38, 1-based): chr12:109,574,859, A>T. VCF-style: chr12-109574859-A-T. GRCh37 (hg19) VCF-style: chr12-110012664-A-T.
Other names: c.37A>T, p.Lys13Ter (NM_001114185.3, NM_001301182.2); short protein forms K13*.
Identifiers: ClinVar variation 97585 (VCV000097585.3), dbSNP rs104895307, ClinGen allele CA149822.